The following is an entry in ClinVar:

NM_006295.3(VARS1):c.1031C>A (p.Pro344His)

Gene: VARS1 (valyl-tRNA synthetase 1; minus strand). Cytogenetic location: 6p21.33.
Variant type: single nucleotide variant.
Coding change: c.1031C>A on transcript NM_006295.3 (MANE Select); coding-DNA position 1031, C replaced by A.
Protein change: p.Pro344His; replaces proline 344 with histidine.
Molecular consequence: missense variant.
Genome position (GRCh38, 1-based): chr6:31,791,679, G>T on the plus strand (C>A on the coding strand, the complement: VARS1 is on the minus strand). VCF-style: chr6-31791679-G-T. GRCh37 (hg19) VCF-style: chr6-31759456-G-T.
Other names: NM_006295.3:c.1031C>A; short protein forms P344H.
Identifiers: ClinVar variation 3236663 (VCV003236663.1), dbSNP rs752053473, ClinGen allele CA136883745.
Genomic context (GRCh38, chr6:31,791,679, plus strand): 5'-AGGGAGTCCTGGATGGCGTTGGTGAGTGCATGGCCCAGGTGCAGGGAGCCTGTCACATTG[G>T]GGGGTGGGATGCACATCATGAAGACACCTCGGGGATTTGCTGCTGACACATTAGGACGCT-3'
Protein context (NP_006286.1, residues 334-354): RGVFMMCIPP[Pro344His]NVTGSLHLGH

ClinVar aggregate classification (germline): Uncertain significance (1 of 4 stars; one submission).

Conditions:
Neurodevelopmental disorder with microcephaly, seizures, and cortical atrophy. Identifiers: MedGen C4540493, MONDO:0060621, OMIM 617802.

gnomAD v4.1: 41 of 1,612,918 alleles (0.0025%); highest among the groups gnomAD compares: African/African-American, 0.0053%; no homozygotes.

Submission:

Broad Center for Mendelian Genomics, Broad Institute of MIT and Harvard
Classification: Uncertain significance for Neurodevelopmental disorder with microcephaly, seizures, and cortical atrophy. Last evaluated: 2024-05-17. Review status: criteria provided, single submitter. Criteria: ACMG Guidelines, 2015. Collection method: curation. Allele origin: germline. Inheritance: Autosomal recessive inheritance.
Comment: The variant has not been previously reported in individuals with neurodevelopmental disorder with microcephaly, seizures, and cortical atrophy and has been identified in 0.005% (4/74896) of African/African American chromosomes by the Genome Aggregation Database (gnomAD; dbSNP (rs752053473)). Although this variant has been seen in the general population in a heterozygous state, its frequency is not high enough to rule out a pathogenic role. Computational prediction tools and conservation analyses suggest that this variant may impact the protein, though this information is not predictive enough to determine pathogenicity. The number of missense variants reported in VARS1 in the general population is lower than expected, suggesting there is little benign variation in this gene and slightly increasing the possibility that a missense variant in this gene may not be tolerated. In summary, the clinical significance of the p.Pro344His variant is uncertain. ACMG/AMP Criteria applied: PM2_Supporting, PP3_Moderate, PP2 (Richards 2015).